The following is an entry in ClinVar:

ClinVar aggregate classification (germline): Conflicting classifications of pathogenicity. Review status: criteria provided, conflicting classifications (1 of 4 stars). 3 submissions from 3 submitters: Uncertain significance (2); Likely benign (1). Last evaluated 2025-12-09.

Conditions:
RSPH3-related disorder. Also called: RSPH3-related condition.
Primary ciliary dyskinesia 32. Also called: CILIARY DYSKINESIA, PRIMARY, 32, WITHOUT SITUS INVERSUS. Identifiers: Orphanet 244, MedGen C4225311, MONDO:0014657, OMIM 616481.

Allele frequency attached by ClinVar (database versions not stated): gnomAD exomes 0.00005 and 0.00013; ExAC 0.00013; ESP Exome Variant Server 0.00031; 1000 Genomes Project 0.00040; 1000 Genomes Project 30x 0.00047; gnomAD 0.00066 and 0.00074; TOPMed 0.00073.
gnomAD v4.1: 173 of 1,610,546 alleles (0.011%); highest among the groups gnomAD compares: African/African-American, 0.21%; no homozygotes.

Submissions (3):

Labcorp Genetics (formerly Invitae), Labcorp
Classification: Uncertain significance for Primary ciliary dyskinesia 32. Last evaluated: 2025-12-09. Review status: criteria provided, single submitter. Criteria: Invitae Variant Classification Sherloc (09022015). Collection method: clinical testing. Allele origin: germline.
Comment: This sequence change replaces leucine, which is neutral and non-polar, with phenylalanine, which is neutral and non-polar, at codon 15 of the RSPH3 protein (p.Leu15Phe). This variant is present in population databases (rs140715430, gnomAD 0.2%). This variant has not been reported in the literature in individuals affected with RSPH3-related conditions. ClinVar contains an entry for this variant (Variation ID: 838112). An algorithm developed to predict the effect of missense changes on protein structure and function (PolyPhen-2) suggests that this variant is likely to be tolerated. In summary, the available evidence is currently insufficient to determine the role of this variant in disease. Therefore, it has been classified as a Variant of Uncertain Significance.

PreventionGenetics, part of Exact Sciences
Classification: Likely benign for RSPH3-related condition. Last evaluated: 2025-06-25. Review status: criteria provided, single submitter. Criteria: ACMG Guidelines, 2015. Collection method: clinical testing. Allele origin: germline.
Comment: This variant is classified as likely benign based on ACMG/AMP sequence variant interpretation guidelines (Richards et al. 2015 PMID: 25741868, with internal and published modifications).

Fulgent Genetics
Classification: Uncertain significance for Primary ciliary dyskinesia 32. Last evaluated: 2022-02-15. Review status: criteria provided, single submitter. Criteria: ACMG Guidelines, 2015. Collection method: clinical testing. Allele origin: unknown.

NM_031924.8(RSPH3):c.-384C>T

Genes: TAGAP-AS1 (TAGAP antisense RNA 1; plus strand), RSPH3 (radial spoke head 3; minus strand). Cytogenetic location: 6q25.3.
Variant type: single nucleotide variant.
Coding change: c.-384C>T on transcript NM_031924.8 (MANE Select); 384 bases upstream of the start codon, C replaced by T.
Molecular consequence: 5 prime UTR variant. On other transcripts: missense variant (1), non-coding transcript variant (1).
Genome position (GRCh38, 1-based): chr6:158,999,934, G>A on the plus strand (C>T on the coding strand, the complement: RSPH3 is on the minus strand). VCF-style: chr6-158999934-G-A. GRCh37 (hg19) VCF-style: chr6-159420966-G-A.
Other names: c.43C>T (NM_031924.5); c.43C>T, p.Leu15Phe (NM_001346418.1); short protein forms L15F.
Identifiers: ClinVar variation 838112 (VCV000838112.8), dbSNP rs140715430, ClinGen allele CA4076125.
Genomic context (GRCh38, chr6:158,999,934, plus strand): 5'-CTTCCGGCTCTTGACTCCGCCCAGCCGCGCCACCCAGGTAGGTGCGCCTGCGCTTTGCGA[G>A]GTTCCTGGCTAGGGAGGCGGCCTTGGCTGGCTTGACCGTCATCCTTGAGGCCTGCGGGGC-3'